The following is an entry in ClinVar:

ClinVar aggregate classification (germline): Conflicting classifications of pathogenicity. Review status: criteria provided, conflicting classifications (1 of 4 stars). 3 submissions from 3 submitters: Likely pathogenic (1); Uncertain significance (1). 1 of the submissions does not count toward it. Last evaluated 2023-07-13.

Conditions:
Polycystic kidney disease 4 (PKD4). Also called: POLYCYSTIC KIDNEY DISEASE 4 WITH OR WITHOUT POLYCYSTIC LIVER DISEASE; Autosomal Recessive Polycystic Kidney Disease – PKHD1; POLYCYSTIC KIDNEY AND HEPATIC DISEASE 1; POLYCYSTIC KIDNEY DISEASE, INFANTILE, TYPE I; PKD3. Identifiers: MedGen C4540575, MONDO:0033004, OMIM 263200.

Allele frequency attached by ClinVar (database versions not stated): TOPMed 0.00001.

Submissions (3):

GeneDx
Classification: Uncertain significance. Last evaluated: 2023-07-13. Review status: criteria provided, single submitter. Criteria: GeneDx Variant Classification Process June 2021. Collection method: clinical testing. Allele origin: germline. Affected: yes.
Comment: Reported with a second PKHD1 variant, phase unknown, in a patient with polycystic kidney disease in the published literature (Denamur et al., 2010); In silico analysis supports that this missense variant has a deleterious effect on protein structure/function; Not observed at significant frequency in large population cohorts (gnomAD); This variant is associated with the following publications: (PMID: 19940839)

Eurofins Ntd Llc (ga)
Classification: Likely pathogenic. Last evaluated: 2016-04-13. Review status: criteria provided, single submitter. Criteria: EGL Classification Definitions 2015. Collection method: clinical testing. Allele origin: germline. Observed: 2 variant alleles, 2 heterozygotes.

Counsyl
Classification: Uncertain significance for Polycystic kidney disease 4. Last evaluated: 2017-05-12. Review status: no assertion criteria provided. Collection method: clinical testing. Allele origin: unknown. Not counted in ClinVar's aggregate classification.

Literature cited by the submitters: PubMed 19940839 (cited by Counsyl).

NM_138694.4(PKHD1):c.5372C>T (p.Pro1791Leu)

Gene: PKHD1 (PKHD1 ciliary IPT domain containing fibrocystin/polyductin; minus strand). Cytogenetic location: 6p12.2.
Variant type: single nucleotide variant.
Coding change: c.5372C>T on transcript NM_138694.4 (MANE Select); coding-DNA position 5372, C replaced by T.
Protein change: p.Pro1791Leu; replaces proline 1791 with leucine.
Molecular consequence: missense variant.
Genome position (GRCh38, 1-based): chr6:52,022,809, G>A on the plus strand (C>T on the coding strand, the complement: PKHD1 is on the minus strand). VCF-style: chr6-52022809-G-A. GRCh37 (hg19) VCF-style: chr6-51887607-G-A.
Other names: c.5372C>T, p.Pro1791Leu (NM_170724.3); short protein forms P1791L.
Identifiers: ClinVar variation 283652 (VCV000283652.8), dbSNP rs886042677, ClinGen allele CA501106.